The following is an entry in ClinVar:

ClinVar aggregate classification (germline): Conflicting classifications of pathogenicity. Review status: criteria provided, conflicting classifications (1 of 4 stars). 29 submissions from 29 submitters: Uncertain significance (4); Benign (4); Likely benign (14). 7 of the submissions do not count toward it. Last evaluated 2026-02-04.

Conditions:
ATM-related cancer predisposition. Also called: ATM-related cancer susceptibility. Identifiers: MedGen CN377759, MONDO:0700270.
Familial ovarian cancer. Identifiers: MedGen C5679802, MONDO:0016248.
Breast and/or ovarian cancer. Identifiers: MedGen CN221562.
Hereditary cancer-predisposing syndrome. Also called: Tumor predisposition; Hereditary neoplastic syndrome; Neoplastic Syndromes, Hereditary; Hereditary Cancer Syndrome. Identifiers: Orphanet 140162, MedGen C0027672, MeSH D009386, MONDO:0015356.
Familial cancer of breast. Also called: Hereditary breast cancer; hereditary breast carcinoma; BREAST CANCER, FAMILIAL. Identifiers: Orphanet 227535, MedGen C0346153, MONDO:0016419, OMIM 114480. Disease mechanism: loss of function.
Ataxia-telangiectasia syndrome (AT). Also called: LOUIS-BAR SYNDROME; Ataxia-telangiectasia; Ataxia telangiectasia (A-T); Cerebello-oculocutaneous telangiectasia; Immunodeficiency with ataxia telangiectasia; Ataxia-telangiectasia, complementation group D. Identifiers: Orphanet 100, MedGen C0004135, MONDO:0008840, OMIM 208900.

Allele frequency attached by ClinVar (database versions not stated): gnomAD exomes 0.00036 and 0.00070; ESP Exome Variant Server 0.00046; ExAC 0.00051; gnomAD 0.00088 and 0.00096; 1000 Genomes Project 0.00120; 1000 Genomes Project 30x 0.00125; TOPMed 0.00131.
gnomAD v4.1: 705 of 1,613,946 alleles (0.044%); highest among the groups gnomAD compares: Middle Eastern, 0.36%; 2 homozygotes.

Submissions 1 to 20 of 29:

Labcorp Genetics (formerly Invitae), Labcorp
Classification: Benign for Ataxia-telangiectasia syndrome. Last evaluated: 2026-02-04. Review status: criteria provided, single submitter. Criteria: Invitae Variant Classification Sherloc (09022015). Collection method: clinical testing. Allele origin: germline.

Dasa
Classification: Likely benign for ATM-related cancer predisposition. Last evaluated: 2025-11-05. Review status: criteria provided, single submitter. Criteria: DASA Assertion Criteria. Collection method: clinical testing. Allele origin: germline.
Comment: NM_000051.4(ATM):c.2289T>A (p.Phe763Leu) is a missense variant that results in the substitution of phenylalanine with leucine. Multiple computational predictions suggest no deleterious effect on the gene or gene product. The variant is present at low frequency in population datasets. Based on the available data, this variant is classified as likely benign.

Ambry Genetics
Classification: Likely benign for Hereditary cancer-predisposing syndrome. Last evaluated: 2025-05-16. Review status: criteria provided, single submitter. Criteria: Ambry Variant Classification Scheme 2023. Collection method: clinical testing. Allele origin: germline.

ARUP Laboratories, Molecular Genetics and Genomics, ARUP Laboratories
Classification: Likely benign. Last evaluated: 2025-03-27. Review status: criteria provided, single submitter. Criteria: ARUP Molecular Germline Variant Investigation Process 2024. Collection method: clinical testing. Allele origin: germline.

Center for Genomic Medicine, Rigshospitalet, Copenhagen University Hospital
Classification: Likely benign. Last evaluated: 2025-03-04. Review status: criteria provided, single submitter. Criteria: ACMG Guidelines, 2015. Collection method: clinical testing. Allele origin: germline.

CeGaT Center for Human Genetics Tuebingen
Classification: Likely benign. Last evaluated: 2025-02-01. Review status: criteria provided, single submitter. Criteria: CeGaT Center For Human Genetics Tuebingen Variant Classification Criteria Version 2. Collection method: clinical testing. Allele origin: germline. Affected: yes. Observed: 5 variant alleles.
Comment: ATM: BP4, BS1

Blueprint Genetics
Classification: Likely benign. Last evaluated: 2024-10-24. Review status: criteria provided, single submitter. Criteria: ACMG Guidelines, 2015. Collection method: clinical testing. Allele origin: germline.

Molecular Diagnostics Laboratory, Catalan Institute of Oncology
Classification: Likely benign for Hereditary cancer-predisposing syndrome. Last evaluated: 2024-09-19. Review status: criteria provided, single submitter. Criteria: ClinGen ACMG Specifications ATM V1.1.0. Collection method: clinical testing. Allele origin: germline.
Comment: BS1, BP4 c.2289T>A located in exon 15 of the ATM gene, is predicted to result in the substitution of phenylalanine by leucine at codon 763, p.(Phe763Leu). This variant is found in 65/35106 at a filtering allele frequency of 0.15% in the gnomAD v2.1.1 database Latino non-cancer data set (BS1). The SpliceAI algorithm predicts no significant impact on splicing and the REVEL meta-predictor score for this variant (0.12) suggests that it does not affect the protein function (BP4). In addition, the variant was also identified in the ClinVar (5x uncertain significance, 15x likely benign, 5x benign) and in the LOVD database( 5x likely benign , 1x, 2x uncertain significance, not classified). Based on currently available information, the variant c.2289T>A is classified as a likely benign variant according to ClinGen-ATM Guidelines version v1.1.

Color Diagnostics, LLC DBA Color Health
Classification: Likely benign for Hereditary cancer-predisposing syndrome. Last evaluated: 2024-09-17. Review status: criteria provided, single submitter. Criteria: ACMG Guidelines, 2015. Collection method: clinical testing. Allele origin: germline.

Athena Diagnostics
Classification: Benign. Last evaluated: 2024-07-05. Review status: criteria provided, single submitter. Criteria: Athena Diagnostics Criteria. Collection method: clinical testing. Allele origin: unknown.

Myriad Genetics, Inc.
Classification: Likely benign for Familial cancer of breast. Last evaluated: 2024-05-08. Review status: criteria provided, single submitter. Criteria: Myriad Autosomal Dominant, Autosomal Recessive and X-Linked Classification Criteria (2023). Collection method: clinical testing. Allele origin: unknown.
Comment: This variant is considered likely benign. This variant is strongly associated with less severe personal and family histories of cancer, typical for individuals without pathogenic variants in this gene [PMID: 25085752].

CHEO Genetics Diagnostic Laboratory, Children's Hospital of Eastern Ontario
Classification: Likely benign for Breast and/or ovarian cancer. Last evaluated: 2022-12-23. Review status: criteria provided, single submitter. Criteria: ACMG Guidelines, 2015. Collection method: clinical testing. Allele origin: germline.

Women's Health and Genetics/Laboratory Corporation of America, LabCorp
Classification: Benign. Last evaluated: 2021-10-18. Review status: criteria provided, single submitter. Criteria: LabCorp Variant Classification Summary - May 2015. Collection method: clinical testing. Allele origin: germline.
Comment: Variant summary: ATM c.2289T>A (p.Phe763Leu) results in a non-conservative amino acid change in the encoded protein sequence. Four of five in-silico tools predict a benign effect of the variant on protein function. The variant allele was found at a frequency of 0.00071 in 252946 control chromosomes, predominantly at a frequency of 0.002 within the African or African-American subpopulation in the gnomAD database. The observed variant frequency within African or African-American control individuals in the gnomAD database is approximately 2 fold of the estimated maximal expected allele frequency for a pathogenic variant in ATM causing Breast Cancer phenotype (0.001), strongly suggesting that the variant is a benign polymorphism found primarily in populations of African or African-American origin. The variant has been identified in numerous patients with HBOC or other types of cancer and control cohorts reported in the literature, without evidence for causality. These reports do not provide unequivocal conclusions about association of the variant with Breast Cancer. Co-occurrences with a pathogenic variant has been reported (SMAD4 c.1194G>A, p.W398Ter, Martin-Morales_2018), providing supporting evidence for a benign role. To our knowledge, no experimental evidence demonstrating an impact on protein function has been reported. Twelve clinical diagnostic laboratories have submitted clinical-significance assessments for this variant to ClinVar after 2014 without evidence for independent evaluation. Multiple laboratories reported the variant with conflicting assessments (Benign n =4, likely benign n=5, VUS n=3). Based on the evidence outlined above, the variant was classified as benign.

Quest Diagnostics Nichols Institute San Juan Capistrano
Classification: Benign. Last evaluated: 2021-08-12. Review status: criteria provided, single submitter. Criteria: Quest Diagnostics criteria. Collection method: clinical testing. Allele origin: unknown.

Sema4
Classification: Likely benign for Hereditary cancer-predisposing syndrome. Last evaluated: 2021-05-18. Review status: criteria provided, single submitter. Criteria: Sema4 Curation Guidelines. Collection method: curation. Allele origin: germline.

Mayo Clinic Laboratories, Mayo Clinic
Classification: Uncertain significance. Last evaluated: 2021-04-15. Review status: criteria provided, single submitter. Criteria: ACMG Guidelines, 2015. Collection method: clinical testing. Allele origin: germline.

GeneKor MSA
Classification: Uncertain significance for Hereditary cancer-predisposing syndrome. Last evaluated: 2018-08-01. Review status: criteria provided, single submitter. Criteria: ACMG Guidelines, 2015. Collection method: clinical testing. Allele origin: germline. Affected: yes.

Mendelics
Classification: Likely benign for Ataxia-telangiectasia syndrome. Last evaluated: 2018-07-02. Review status: criteria provided, single submitter. Criteria: Mendelics Assertion Criteria 2017. Collection method: clinical testing. Allele origin: unknown.

PreventionGenetics, part of Exact Sciences
Classification: Likely benign. Last evaluated: 2017-11-29. Review status: criteria provided, single submitter. Criteria: ACMG Guidelines, 2015. Collection method: clinical testing. Allele origin: germline.

GeneDx
Classification: Likely benign. Last evaluated: 2017-11-20. Review status: criteria provided, single submitter. Criteria: GeneDx Variant Classification (06012015). Collection method: clinical testing. Allele origin: germline. Affected: yes.
Comment: This variant is considered likely benign or benign based on one or more of the following criteria: it is a conservative change, it occurs at a poorly conserved position in the protein, it is predicted to be benign by multiple in silico algorithms, and/or has population frequency not consistent with disease.

NM_000051.4(ATM):c.2289T>A (p.Phe763Leu)

Gene: ATM (ATM serine/threonine kinase; plus strand). Cytogenetic location: 11q22.3.
Variant type: single nucleotide variant.
Coding change: c.2289T>A on transcript NM_000051.4 (MANE Select); coding-DNA position 2289, T replaced by A.
Protein change: p.Phe763Leu; replaces phenylalanine 763 with leucine.
Molecular consequence: missense variant.
Genome position (GRCh38, 1-based): chr11:108,257,519, T>A. VCF-style: chr11-108257519-T-A. GRCh37 (hg19) VCF-style: chr11-108128246-T-A.
Other names: p.F763L:TTT>TTA; c.2289T>A, p.Phe763Leu (NM_001351834.2); short protein forms F763L.
Identifiers: ClinVar variation 127347 (VCV000127347.86), dbSNP rs34231402, ClinGen allele CA286750.